The following is an entry in ClinVar:

NM_000702.4(ATP1A2):c.500C>G (p.Ala167Gly)

Genes: ATP1A2 (ATPase Na+/K+ transporting subunit alpha 2; plus strand), LOC126805890 (CDK7 strongly-dependent group 2 enhancer GRCh37_chr1:160093987-160095186; plus strand). Cytogenetic location: 1q23.2.
Variant type: single nucleotide variant.
Coding change: c.500C>G on transcript NM_000702.4 (MANE Select); coding-DNA position 500, C replaced by G.
Protein change: p.Ala167Gly; replaces alanine 167 with glycine.
Molecular consequence: missense variant.
Genome position (GRCh38, 1-based): chr1:160,124,300, C>G. VCF-style: chr1-160124300-C-G. GRCh37 (hg19) VCF-style: chr1-160094090-C-G.
Other names: short protein forms A167G.
Identifiers: ClinVar variation 3373680 (VCV003373680.1).
Genomic context (GRCh38, chr1:160,124,300, plus strand): 5'-AGAAGAAGGCAGGGGCAGAGACAAGCATTTCATGAGCTGCCTGTGGCTCCCCACAGCAAG[C>G]CCTTGTGATCCGGGAGGGAGAGAAGATGCAGATCAACGCAGAGGAAGTGGTGGTGGGAGA-3'
Protein context (NP_000693.1, residues 157-177): DSFKNMVPQQ[Ala167Gly]LVIREGEKMQ

ClinVar aggregate classification (germline): Uncertain significance (1 of 4 stars; one submission).

Submission:

GeneDx
Classification: Uncertain significance. Last evaluated: 2024-03-03. Review status: criteria provided, single submitter. Criteria: GeneDx Variant Classification Process June 2021. Collection method: clinical testing. Allele origin: germline. Affected: yes.
Comment: Not observed at significant frequency in large population cohorts (gnomAD); In silico analysis supports that this missense variant has a deleterious effect on protein structure/function; Has not been previously published as pathogenic or benign to our knowledge; In silico analysis suggests this variant may impact gene splicing. In the absence of RNA/functional studies, the actual effect of this sequence change is unknown..